The following is an entry in ClinVar:

NM_000424.4(KRT5):c.352G>A (p.Gly118Ser)

Gene: KRT5 (keratin 5; minus strand). Cytogenetic location: 12q13.13.
Variant type: single nucleotide variant.
Coding change: c.352G>A on transcript NM_000424.4 (MANE Select); coding-DNA position 352, G replaced by A.
Protein change: p.Gly118Ser; replaces glycine 118 with serine.
Molecular consequence: missense variant.
Genome position (GRCh38, 1-based): chr12:52,519,945, C>T on the plus strand (G>A on the coding strand, the complement: KRT5 is on the minus strand). VCF-style: chr12-52519945-C-T. GRCh37 (hg19) VCF-style: chr12-52913729-C-T.
Other names: short protein forms G118S.
Identifiers: ClinVar variation 309570 (VCV000309570.5), dbSNP rs368543262, ClinGen allele CA6582857.

ClinVar aggregate classification (germline): Likely benign (1 of 4 stars; one submission).

Conditions:
Epidermolysis bullosa simplex. Also called: Epidermolysis bullosa simplex, Weber-Cockayne type (subtype); Epidermolysis bullosa simplex, Dowling-Meara type (subtype); Epidermolysis bullosa simplex with mottled pigmentation (subtype). Identifiers: Orphanet 304, MedGen C0079298, MONDO:0017610.

Allele frequency attached by ClinVar (database versions not stated): TOPMed 0.00004; ESP Exome Variant Server 0.00008; 1000 Genomes Project 30x 0.00016; 1000 Genomes Project 0.00020.
gnomAD v4.1: 67 of 1,612,750 alleles (0.0042%); highest among the groups gnomAD compares: South Asian, 0.0088%; no homozygotes.

Submission:

Illumina Laboratory Services, Illumina
Classification: Likely benign for Epidermolysis bullosa simplex. Last evaluated: 2018-01-12. Review status: criteria provided, single submitter. Criteria: ICSL Variant Classification Criteria 13 December 2019. Collection method: clinical testing. Allele origin: germline.
Comment: This variant was observed in the ICSL laboratory as part of a predisposition screen in an ostensibly healthy population. It had not been previously curated by ICSL or reported in the Human Gene Mutation Database (HGMD: prior to June 1st, 2018), and was therefore a candidate for classification through an automated scoring system. Utilizing variant allele frequency, disease prevalence and penetrance estimates, and inheritance mode, an automated score was calculated to assess if this variant is too frequent to cause the disease. Based on the score and internal cut-off values, a variant classified as likely benign is not then subjected to further curation. The score for this variant resulted in a classification of likely benign for this disease.